The following is an entry in ClinVar:

ClinVar aggregate classification (germline): Likely benign (0 of 4 stars; one submission).

Conditions:
MITF-related disorder. Also called: MITF-related condition.

Allele frequency attached by ClinVar (database versions not stated): ExAC 0.00001.
gnomAD v4.1: 4 of 1,614,182 alleles (0.00025%); highest among the groups gnomAD compares: South Asian, 0.0044%; no homozygotes.

Submission:

PreventionGenetics, part of Exact Sciences
Classification: Likely benign for MITF-related condition. Last evaluated: 2020-07-28. Review status: no assertion criteria provided. Collection method: clinical testing. Allele origin: germline.
Comment: This variant is classified as likely benign based on ACMG/AMP sequence variant interpretation guidelines (Richards et al. 2015 PMID: 25741868, with internal and published modifications).

NM_001354604.2(MITF):c.354+7G>A

Gene: MITF (melanocyte inducing transcription factor; plus strand). Cytogenetic location: 3p13.
Variant type: single nucleotide variant.
Coding change: c.354+7G>A on transcript NM_001354604.2 (MANE Select); 7 bases into the intron after coding-DNA position 354, G replaced by A.
Molecular consequence: intron variant.
Genome position (GRCh38, 1-based): chr3:69,879,390, G>A. VCF-style: chr3-69879390-G-A. GRCh37 (hg19) VCF-style: chr3-69928541-G-A.
Other names: c.303+7G>A (NM_001354607.2); c.198+7G>A (NM_001354608.2, NM_001184967.2); c.354+7G>A (NM_198159.3); c.351+7G>A (NM_001354605.2, NM_001354606.2, NM_006722.3); c.306+7G>A (NM_198177.3).
Identifiers: ClinVar variation 3037066 (VCV003037066.2), dbSNP rs749185885, ClinGen allele CA2490301.